The following is an entry in ClinVar:

NM_002439.5(MSH3):c.3380A>G (p.Asn1127Ser)

Gene: MSH3 (mutS homolog 3; plus strand). Cytogenetic location: 5q14.1.
Variant type: single nucleotide variant.
Coding change: c.3380A>G on transcript NM_002439.5 (MANE Select); coding-DNA position 3380, A replaced by G.
Protein change: p.Asn1127Ser; replaces asparagine 1127 with serine.
Molecular consequence: missense variant.
Genome position (GRCh38, 1-based): chr5:80,875,828, A>G. VCF-style: chr5-80875828-A-G. GRCh37 (hg19) VCF-style: chr5-80171647-A-G.
Other names: c.3380A>G (NM_002439.3); short protein forms N1127S.
Identifiers: ClinVar variation 1977728 (VCV001977728.7), dbSNP rs2478809243, ClinGen allele CA360347441.

ClinVar aggregate classification (germline): Uncertain significance. Review status: criteria provided, multiple submitters, no conflicts (2 of 4 stars). 2 submissions from 2 submitters: Uncertain significance (2). Last evaluated 2023-04-07.

Conditions:
Hereditary cancer-predisposing syndrome. Also called: Hereditary Cancer Syndrome; Neoplastic Syndromes, Hereditary; Tumor predisposition; Hereditary neoplastic syndrome. Identifiers: Orphanet 140162, MedGen C0027672, MeSH D009386, MONDO:0015356.

Allele frequency attached by ClinVar (database versions not stated): gnomAD exomes below 0.00001.
gnomAD v4.1: 1 of 1,613,008 alleles (0.000062%); highest among the groups gnomAD compares: Non-Finnish European, 0.000085%; no homozygotes.

Submissions (2):

Ambry Genetics
Classification: Uncertain significance for Hereditary cancer-predisposing syndrome. Last evaluated: 2023-04-07. Review status: criteria provided, single submitter. Criteria: Ambry Variant Classification Scheme 2023. Collection method: clinical testing. Allele origin: germline.
Comment: The p.N1127S variant (also known as c.3380A>G), located in coding exon 24 of the MSH3 gene, results from an A to G substitution at nucleotide position 3380. The asparagine at codon 1127 is replaced by serine, an amino acid with highly similar properties. This amino acid position is poorly conserved in available vertebrate species. In addition, this alteration is predicted to be tolerated by in silico analysis. Since supporting evidence is limited at this time, the clinical significance of this alteration remains unclear.

Labcorp Genetics (formerly Invitae), Labcorp
Classification: Uncertain significance. Last evaluated: 2022-06-25. Review status: criteria provided, single submitter. Criteria: Invitae Variant Classification Sherloc (09022015). Collection method: clinical testing. Allele origin: germline.
Comment: In summary, the available evidence is currently insufficient to determine the role of this variant in disease. Therefore, it has been classified as a Variant of Uncertain Significance. Algorithms developed to predict the effect of missense changes on protein structure and function (SIFT, PolyPhen-2, Align-GVGD) all suggest that this variant is likely to be tolerated. This variant has not been reported in the literature in individuals affected with MSH3-related conditions. This variant is not present in population databases (gnomAD no frequency). This sequence change replaces asparagine, which is neutral and polar, with serine, which is neutral and polar, at codon 1127 of the MSH3 protein (p.Asn1127Ser).